The following is an entry in ClinVar:

ClinVar aggregate classification (germline): Uncertain significance (1 of 4 stars; one submission).

Conditions:
ADCY3-related disorder. Also called: ADCY3-related condition.

gnomAD v4.1: 19 of 1,614,038 alleles (0.0012%); highest among the groups gnomAD compares: Middle Eastern, 0.016%; no homozygotes.

Submission:

PreventionGenetics, part of Exact Sciences
Classification: Uncertain significance for ADCY3-related condition. Last evaluated: 2024-12-30. Review status: criteria provided, single submitter. Criteria: ACMG Guidelines, 2015. Collection method: clinical testing. Allele origin: germline.
Comment: The ADCY3 c.424G>A variant is predicted to result in the amino acid substitution p.Val142Met. To our knowledge, this variant has not been reported in the literature. This variant has been reported in one heterozygous individual within the 'other' sub-population in gnomAD (not included in table above). At this time, the clinical significance of this variant is uncertain due to the absence of conclusive functional and genetic evidence.

NM_004036.5(ADCY3):c.424G>A (p.Val142Met)

Gene: ADCY3 (adenylate cyclase 3; minus strand). Cytogenetic location: 2p23.3.
Variant type: single nucleotide variant.
Coding change: c.424G>A on transcript NM_004036.5 (MANE Select); coding-DNA position 424, G replaced by A.
Protein change: p.Val142Met; replaces valine 142 with methionine.
Molecular consequence: missense variant.
Genome position (GRCh38, 1-based): chr2:24,918,564, C>T on the plus strand (G>A on the coding strand, the complement: ADCY3 is on the minus strand). VCF-style: chr2-24918564-C-T. GRCh37 (hg19) VCF-style: chr2-25141433-C-T.
Other names: c.424G>A, p.Val142Met (NM_001320613.2, NM_001377128.1, NM_001377129.1 and 2 more transcripts); short protein forms V142M.
Identifiers: ClinVar variation 4988821 (VCV004988821.1).
Genomic context (GRCh38, chr2:24,918,564, plus strand): 5'-CACGCGCGAAGTTCAGGCCCAGGTAGGAGAAGATCTGGGCGGTTATGAGCAGCCACAGCA[C>T]GTAGGGCAGCACTCTGCGGGTGACCCGGTCCGGGAGCAGCCCCTTTTTGCAGAGCACGAA-3'
Protein context (NP_004027.2, residues 132-152): DRVTRRVLPY[Val142Met]LWLLITAQIF